The following is an entry in ClinVar:

ClinVar aggregate classification (germline): Likely benign. Review status: criteria provided, single submitter (1 of 4 stars). 2 submissions from 2 submitters: Likely benign (1). 1 of the submissions does not count toward it. Last evaluated 2024-09-17.

Conditions:
NUP155-related disorder. Also called: NUP155-related condition.

Allele frequency attached by ClinVar (database versions not stated): ESP Exome Variant Server 0.00023; gnomAD exomes 0.00025; ExAC 0.00039; gnomAD 0.00042; TOPMed 0.00047; 1000 Genomes Project 0.00140; 1000 Genomes Project 30x 0.00156.

Submissions (2):

Blueprint Genetics
Classification: Likely benign. Last evaluated: 2024-09-17. Review status: criteria provided, single submitter. Criteria: ACMG Guidelines, 2015. Collection method: clinical testing. Allele origin: germline.

PreventionGenetics, part of Exact Sciences
Classification: Likely benign for NUP155-related condition. Last evaluated: 2019-06-19. Review status: no assertion criteria provided. Collection method: clinical testing. Allele origin: germline. Not counted in ClinVar's aggregate classification.
Comment: This variant is classified as likely benign based on ACMG/AMP sequence variant interpretation guidelines (Richards et al. 2015 PMID: 25741868, with internal and published modifications).

NM_153485.3(NUP155):c.2357G>A (p.Arg786Gln)

Gene: NUP155 (nucleoporin 155; minus strand). Cytogenetic location: 5p13.2.
Variant type: single nucleotide variant.
Coding change: c.2357G>A on transcript NM_153485.3 (MANE Select); coding-DNA position 2357, G replaced by A.
Protein change: p.Arg786Gln; replaces arginine 786 with glutamine.
Molecular consequence: missense variant.
Genome position (GRCh38, 1-based): chr5:37,314,277, C>T on the plus strand (G>A on the coding strand, the complement: NUP155 is on the minus strand). VCF-style: chr5-37314277-C-T. GRCh37 (hg19) VCF-style: chr5-37314379-C-T.
Other names: c.2357G>A, p.Arg786Gln (NM_001278312.2); c.2180G>A, p.Arg727Gln (NM_004298.4); short protein forms R727Q, R786Q.
Identifiers: ClinVar variation 3041295 (VCV003041295.3), dbSNP rs149960589, ClinGen allele CA3239729.